The following is an entry in ClinVar:

ClinVar aggregate classification (germline): Uncertain significance (1 of 4 stars; one submission).

gnomAD v4.1: 3 of 1,613,776 alleles (0.00019%); highest among the groups gnomAD compares: Non-Finnish European, 0.000085%; no homozygotes.

Submission:

Labcorp Genetics (formerly Invitae), Labcorp
Classification: Uncertain significance. Last evaluated: 2025-10-01. Review status: criteria provided, single submitter. Criteria: Invitae Variant Classification Sherloc (09022015). Collection method: clinical testing. Allele origin: germline.
Comment: This sequence change replaces proline, which is neutral and non-polar, with serine, which is neutral and polar, at codon 731 of the DCHS1 protein (p.Pro731Ser). This variant is not present in population databases (gnomAD no frequency). This variant has not been reported in the literature in individuals affected with DCHS1-related conditions. Invitae Evidence Modeling of protein sequence and biophysical properties (such as structural, functional, and spatial information, amino acid conservation, physicochemical variation, residue mobility, and thermodynamic stability) indicates that this missense variant is not expected to disrupt DCHS1 protein function with a negative predictive value of 80%. In summary, the available evidence is currently insufficient to determine the role of this variant in disease. Therefore, it has been classified as a Variant of Uncertain Significance.

NM_003737.4(DCHS1):c.2191C>T (p.Pro731Ser)

Gene: DCHS1 (dachsous cadherin-related 1; minus strand). Cytogenetic location: 11p15.4.
Variant type: single nucleotide variant.
Coding change: c.2191C>T on transcript NM_003737.4 (MANE Select); coding-DNA position 2191, C replaced by T.
Protein change: p.Pro731Ser; replaces proline 731 with serine.
Molecular consequence: missense variant.
Genome position (GRCh38, 1-based): chr11:6,633,816, G>A on the plus strand (C>T on the coding strand, the complement: DCHS1 is on the minus strand). VCF-style: chr11-6633816-G-A. GRCh37 (hg19) VCF-style: chr11-6655047-G-A.
Other names: short protein forms P731S.
Identifiers: ClinVar variation 4762385 (VCV004762385.1).